The following is an entry in ClinVar:

ClinVar aggregate classification (germline): Uncertain significance (1 of 4 stars; one submission).

Allele frequency attached by ClinVar (database versions not stated): ExAC 0.00001; gnomAD 0.00002; gnomAD exomes 0.00002; TOPMed 0.00002.
gnomAD v4.1: 29 of 1,614,026 alleles (0.0018%); highest among the groups gnomAD compares: Non-Finnish European, 0.0023%; no homozygotes.

Submission:

Ambry Genetics
Classification: Uncertain significance. Last evaluated: 2023-07-29. Review status: criteria provided, single submitter. Criteria: Ambry Variant Classification Scheme 2023. Collection method: clinical testing. Allele origin: germline.
Comment: The p.G373R variant (also known as c.1117G>A), located in coding exon 3 of the ALPK2 gene, results from a G to A substitution at nucleotide position 1117. The glycine at codon 373 is replaced by arginine, an amino acid with dissimilar properties. This amino acid position is conserved. In addition, this alteration is predicted to be tolerated by in silico analysis. Since supporting evidence is limited at this time, the clinical significance of this alteration remains unclear.

NM_052947.4(ALPK2):c.1117G>A (p.Gly373Arg)

Genes: ALPK2 (alpha kinase 2; minus strand), LOC114803473 (ALPK2 eExon liver enhancer; plus strand). Cytogenetic location: 18q21.31.
Variant type: single nucleotide variant.
Coding change: c.1117G>A on transcript NM_052947.4 (MANE Select); coding-DNA position 1117, G replaced by A.
Protein change: p.Gly373Arg; replaces glycine 373 with arginine.
Molecular consequence: missense variant.
Genome position (GRCh38, 1-based): chr18:58,579,659, C>T on the plus strand (G>A on the coding strand, the complement: ALPK2 is on the minus strand). VCF-style: chr18-58579659-C-T. GRCh37 (hg19) VCF-style: chr18-56246891-C-T.
Other names: short protein forms G373R.
Identifiers: ClinVar variation 1796585 (VCV001796585.3), dbSNP rs758459487, ClinGen allele CA8977318.